The following is an entry in ClinVar:

NM_000531.6(OTC):c.-366A>G

Gene: OTC (ornithine transcarbamylase; plus strand). Cytogenetic location: Xp11.4.
Variant type: single nucleotide variant.
Coding change: c.-366A>G on transcript NM_000531.6 (MANE Select); 366 bases upstream of the start codon, A replaced by G.
Genome position (GRCh38, 1-based): chrX:38,352,331, A>G. VCF-style: chrX-38352331-A-G. GRCh37 (hg19) VCF-style: chrX-38211584-A-G.
Identifiers: ClinVar variation 516756 (VCV000516756.47), dbSNP rs191615506, ClinGen allele CA327916553.

ClinVar aggregate classification (germline): Benign/Likely benign. Review status: criteria provided, multiple submitters, no conflicts (2 of 4 stars). 7 submissions from 7 submitters: Benign (1); Likely benign (4). 2 of the submissions do not count toward it. Last evaluated 2025-12-08.

Conditions:
OTC-related disorder. Also called: OTC-related condition.
Ornithine carbamoyltransferase deficiency (OTCD). Also called: ORNITHINE TRANSCARBAMYLASE DEFICIENCY, HYPERAMMONEMIA DUE TO; ORNITHINE TRANSCARBAMYLASE DEFICIENCY; Ornithine Carbamoyltransferase Deficiency Disease; OTC DEFICIENCY. Identifiers: Orphanet 664, MedGen C0268542, MONDO:0010703, OMIM 311250.

Allele frequency attached by ClinVar (database versions not stated): 1000 Genomes Project 0.00185; 1000 Genomes Project 30x 0.00229; TOPMed 0.00329; gnomAD 0.00346 and 0.00354.
gnomAD v4.1: 386 of 111,999 alleles (0.34%); highest among the groups gnomAD compares: Non-Finnish European, 0.58%; 1 homozygote.

Submissions (7):

Labcorp Genetics (formerly Invitae), Labcorp
Classification: Benign for Ornithine carbamoyltransferase deficiency. Last evaluated: 2025-12-08. Review status: criteria provided, single submitter. Criteria: Invitae Variant Classification Sherloc (09022015). Collection method: clinical testing. Allele origin: germline.

Blueprint Genetics
Classification: Likely benign. Last evaluated: 2024-11-27. Review status: criteria provided, single submitter. Criteria: ACMG Guidelines, 2015. Collection method: clinical testing. Allele origin: germline.

CeGaT Center for Human Genetics Tuebingen
Classification: Likely benign. Last evaluated: 2023-09-01. Review status: criteria provided, single submitter. Criteria: CeGaT Center For Human Genetics Tuebingen Variant Classification Criteria Version 2. Collection method: clinical testing. Allele origin: germline. Affected: yes. Observed: 5 variant alleles.
Comment: OTC: BS1

Fulgent Genetics
Classification: Likely benign for Ornithine carbamoyltransferase deficiency. Last evaluated: 2022-04-28. Review status: criteria provided, single submitter. Criteria: ACMG Guidelines, 2015. Collection method: clinical testing. Allele origin: unknown.

GeneDx
Classification: Likely benign. Last evaluated: 2017-10-23. Review status: criteria provided, single submitter. Criteria: GeneDx Variant Classification (06012015). Collection method: clinical testing. Allele origin: germline. Affected: yes.
Comment: This variant is considered likely benign or benign based on one or more of the following criteria: it is a conservative change, it occurs at a poorly conserved position in the protein, it is predicted to be benign by multiple in silico algorithms, and/or has population frequency not consistent with disease.

PreventionGenetics, part of Exact Sciences
Classification: Likely benign for OTC-related condition. Last evaluated: 2022-02-19. Review status: no assertion criteria provided. Collection method: clinical testing. Allele origin: germline. Not counted in ClinVar's aggregate classification.
Comment: This variant is classified as likely benign based on ACMG/AMP sequence variant interpretation guidelines (Richards et al. 2015 PMID: 25741868, with internal and published modifications).

Natera, Inc.
Classification: Benign for Ornithine transcarbamylase deficiency. Last evaluated: 2019-12-09. Review status: no assertion criteria provided. Collection method: clinical testing. Allele origin: germline. Not counted in ClinVar's aggregate classification.